The following is an entry in ClinVar:

NM_001378454.1(ALMS1):c.11888T>C (p.Val3963Ala)

Genes: ALMS1 (ALMS1 centrosome and basal body associated protein; plus strand), LOC126806252 (BRD4-independent group 4 enhancer GRCh37_chr2:73828496-73829695; plus strand). Cytogenetic location: 2p13.1.
Variant type: single nucleotide variant.
Coding change: c.11888T>C on transcript NM_001378454.1 (MANE Select); coding-DNA position 11888, T replaced by C.
Protein change: p.Val3963Ala; replaces valine 3963 with alanine.
Molecular consequence: missense variant.
Genome position (GRCh38, 1-based): chr2:73,601,210, T>C. VCF-style: chr2-73601210-T-C. GRCh37 (hg19) VCF-style: chr2-73828337-T-C.
Other names: c.11891T>C, p.Val3964Ala (NM_015120.4); short protein forms V3963A, V3964A.
Identifiers: ClinVar variation 1064981 (VCV001064981.14), dbSNP rs201777220, ClinGen allele CA1715370.

ClinVar aggregate classification (germline): Uncertain significance. Review status: criteria provided, multiple submitters, no conflicts (2 of 4 stars). 7 submissions from 7 submitters: Uncertain significance (7). Last evaluated 2026-01-27.

Conditions:
Alstrom syndrome (ALMS). Identifiers: Orphanet 64, MedGen C0268425, MONDO:0008763, OMIM 203800.
Hearing impairment. Also called: Impaired Hearing. Identifiers: MedGen C1384666, MONDO:0005365, HP:0000365.
Cardiovascular phenotype. Identifiers: MedGen CN230736.

Allele frequency attached by ClinVar (database versions not stated): gnomAD 0.00003 and 0.00004; gnomAD exomes 0.00003 and 0.00004; TOPMed 0.00003; ExAC 0.00005; ESP Exome Variant Server 0.00008.
gnomAD v4.1: 51 of 1,614,090 alleles (0.0032%); highest among the groups gnomAD compares: Middle Eastern, 0.033%; no homozygotes.

Submissions (7):

GeneDx
Classification: Uncertain significance. Last evaluated: 2026-01-27. Review status: criteria provided, single submitter. Criteria: GeneDx Variant Classification Process June 2021. Collection method: clinical testing. Allele origin: germline.
Comment: Not observed at significant frequency in large population cohorts (gnomAD); In silico analysis suggests that this missense variant does not alter protein structure/function; Has not been previously published as pathogenic or benign to our knowledge

Ambry Genetics
Classification: Uncertain significance for Cardiovascular phenotype. Last evaluated: 2025-05-08. Review status: criteria provided, single submitter. Criteria: Ambry Variant Classification Scheme 2023. Collection method: clinical testing. Allele origin: germline.
Comment: The p.V3964A variant (also known as c.11891T>C), located in coding exon 19 of the ALMS1 gene, results from a T to C substitution at nucleotide position 11891. The valine at codon 3964 is replaced by alanine, an amino acid with similar properties. This amino acid position is well conserved in available vertebrate species. In addition, this alteration is predicted to be deleterious by in silico analysis. Since supporting evidence is limited at this time, the clinical significance of this alteration remains unclear.

Women's Health and Genetics/Laboratory Corporation of America, LabCorp
Classification: Uncertain significance. Last evaluated: 2025-04-25. Review status: criteria provided, single submitter. Criteria: LabCorp Variant Classification Summary - May 2015. Collection method: clinical testing. Allele origin: germline.

Blueprint Genetics
Classification: Uncertain significance. Last evaluated: 2024-09-23. Review status: criteria provided, single submitter. Criteria: ACMG Guidelines, 2015. Collection method: clinical testing. Allele origin: germline.

Labcorp Genetics (formerly Invitae), Labcorp
Classification: Uncertain significance for Alstrom syndrome. Last evaluated: 2022-11-01. Review status: criteria provided, single submitter. Criteria: Invitae Variant Classification Sherloc (09022015). Collection method: clinical testing. Allele origin: germline.
Comment: This sequence change replaces valine, which is neutral and non-polar, with alanine, which is neutral and non-polar, at codon 3964 of the ALMS1 protein (p.Val3964Ala). This variant is present in population databases (rs201777220, gnomAD 0.007%). This variant has not been reported in the literature in individuals affected with ALMS1-related conditions. ClinVar contains an entry for this variant (Variation ID: 1064981). Experimental studies and prediction algorithms are not available or were not evaluated, and the functional significance of this variant is currently unknown. In summary, the available evidence is currently insufficient to determine the role of this variant in disease. Therefore, it has been classified as a Variant of Uncertain Significance.

Fulgent Genetics
Classification: Uncertain significance for Alstrom syndrome. Last evaluated: 2021-10-01. Review status: criteria provided, single submitter. Criteria: ACMG Guidelines, 2015. Collection method: clinical testing. Allele origin: unknown.

Department of Otolaryngology – Head & Neck Surgery, Cochlear Implant Center
Classification: Uncertain significance for Hearing impairment. Last evaluated: 2021-04-12. Review status: criteria provided, single submitter. Criteria: ClinGen HL ACMG Specifications v1. Collection method: clinical testing. Allele origin: germline. Affected: yes.
Comment: PM2_Moderate, PP3_Supporting